The following is an entry in ClinVar:

ClinVar aggregate classification (germline): Uncertain significance (1 of 4 stars; one submission).

Conditions:
Neurodevelopmental disorder with hypotonia, seizures, and absent language (NDHSAL). Identifiers: MedGen C4310643, MONDO:0014995, OMIM 617268.

Submission:

Baylor Genetics
Classification: Uncertain significance for Neurodevelopmental disorder with hypotonia, seizures, and absent language. Last evaluated: 2019-08-30. Review status: criteria provided, single submitter. Criteria: ACMG Guidelines, 2015. Collection method: clinical testing. Allele origin: unknown. Affected: yes.
Comment: This variant was determined to be of uncertain significance according to ACMG Guidelines, 2015 [PMID:25741868].

NM_001348768.2(HECW2):c.2846G>C (p.Cys949Ser)

Gene: HECW2 (HECT, C2 and WW domain containing E3 ubiquitin protein ligase 2; minus strand). Cytogenetic location: 2q32.3.
Variant type: single nucleotide variant.
Coding change: c.2846G>C on transcript NM_001348768.2 (MANE Select); coding-DNA position 2846, G replaced by C.
Protein change: p.Cys949Ser; replaces cysteine 949 with serine.
Molecular consequence: missense variant.
Genome position (GRCh38, 1-based): chr2:196,292,719, C>G on the plus strand (G>C on the coding strand, the complement: HECW2 is on the minus strand). VCF-style: chr2-196292719-C-G. GRCh37 (hg19) VCF-style: chr2-197157443-C-G.
Other names: c.1778G>C, p.Cys593Ser (NM_001304840.3); c.2846G>C, p.Cys949Ser (NM_020760.4); short protein forms C593S, C949S.
Identifiers: ClinVar variation 1028187 (VCV001028187.1), dbSNP rs1690649009, ClinGen allele CA349960264.